The following is an entry in ClinVar:

NM_032119.4(ADGRV1):c.13231+4G>A

Gene: ADGRV1 (adhesion G protein-coupled receptor V1; plus strand). Cytogenetic location: 5q14.3.
Variant type: single nucleotide variant.
Coding change: c.13231+4G>A on transcript NM_032119.4 (MANE Select); 4 bases into the intron after coding-DNA position 13231, G replaced by A.
Molecular consequence: intron variant.
Genome position (GRCh38, 1-based): chr5:90,781,582, G>A. VCF-style: chr5-90781582-G-A. GRCh37 (hg19) VCF-style: chr5-90077399-G-A.
Identifiers: ClinVar variation 2093647 (VCV002093647.1), dbSNP rs778080956, ClinGen allele CA2580073764.
Genomic context (GRCh38, chr5:90,781,582, plus strand): 5'-AAAATGATAACGCAGAAGGCATCATTGAATTTGACCCAAAGTATACTGCCTTCGAAGGTA[G>A]GTTCAGTCAGCTAGCTTGTAAGTAAGTTTACTACCACTTTCCAAATTACATTAGTTTGAA-3'

ClinVar aggregate classification (germline): Uncertain significance (1 of 4 stars; one submission).

Submission:

Labcorp Genetics (formerly Invitae), Labcorp
Classification: Uncertain significance. Last evaluated: 2022-02-05. Review status: criteria provided, single submitter. Criteria: Invitae Variant Classification Sherloc (09022015). Collection method: clinical testing. Allele origin: germline.
Comment: This sequence change falls in intron 65 of the ADGRV1 gene. It does not directly change the encoded amino acid sequence of the ADGRV1 protein. It affects a nucleotide within the consensus splice site. This variant is not present in population databases (gnomAD no frequency). This variant has not been reported in the literature in individuals affected with ADGRV1-related conditions. Variants that disrupt the consensus splice site are a relatively common cause of aberrant splicing (PMID: 17576681, 9536098). Algorithms developed to predict the effect of sequence changes on RNA splicing suggest that this variant is not likely to affect RNA splicing. In summary, the available evidence is currently insufficient to determine the role of this variant in disease. Therefore, it has been classified as a Variant of Uncertain Significance.

Literature cited by the submitters: PubMed 17576681; PubMed 9536098.